The following is an entry in ClinVar:

ClinVar aggregate classification (germline): Likely benign (1 of 4 stars; one submission).

Submission:

CeGaT Center for Human Genetics Tuebingen
Classification: Likely benign. Last evaluated: 2023-12-01. Review status: criteria provided, single submitter. Criteria: CeGaT Center For Human Genetics Tuebingen Variant Classification Criteria Version 2. Collection method: clinical testing. Allele origin: germline. Affected: yes. Observed: 1 variant allele.
Comment: CHD2: PM2:Supporting, BP4, BP7

NM_001271.4(CHD2):c.2739C>T (p.Tyr913=)

Gene: CHD2 (chromodomain helicase DNA binding protein 2; plus strand). Cytogenetic location: 15q26.1.
Variant type: single nucleotide variant.
Coding change: c.2739C>T on transcript NM_001271.4 (MANE Select); coding-DNA position 2739, C replaced by T.
Protein change: p.Tyr913=; no amino-acid change (tyrosine 913 retained).
Molecular consequence: synonymous variant.
Genome position (GRCh38, 1-based): chr15:92,979,146, C>T. VCF-style: chr15-92979146-C-T. GRCh37 (hg19) VCF-style: chr15-93522376-C-T.
Identifiers: ClinVar variation 3026787 (VCV003026787.22), dbSNP rs2505545450, ClinGen allele CA492499725.
Genomic context (GRCh38, chr15:92,979,146, plus strand): 5'-GGGTTGGGGGGTGGTTCAGGCATAAGCATAACAGTTCCTTTTCCTACAGGTAAATATTTA[C>T]CGCTTAGTTACAAAGGGGACTGTGGAGGAGGAGATCATAGAACGGGCCAAAAAGAAGATG-3'
Protein context (NP_001262.3, residues 903-923): RIGQKKQVNI[Tyr913=]RLVTKGTVEE